The following is an entry in ClinVar:

ClinVar aggregate classification (germline): Uncertain significance (1 of 4 stars; one submission).

Allele frequency attached by ClinVar (database versions not stated): gnomAD exomes below 0.00001; gnomAD 0.00001; TOPMed 0.00002; ESP Exome Variant Server 0.00008.
gnomAD v4.1: 4 of 1,613,710 alleles (0.00025%); highest among the groups gnomAD compares: African/African-American, 0.0053%; no homozygotes.

Submission:

Labcorp Genetics (formerly Invitae), Labcorp
Classification: Uncertain significance. Last evaluated: 2022-03-12. Review status: criteria provided, single submitter. Criteria: Invitae Variant Classification Sherloc (09022015). Collection method: clinical testing. Allele origin: germline.
Comment: In summary, the available evidence is currently insufficient to determine the role of this variant in disease. Therefore, it has been classified as a Variant of Uncertain Significance. Algorithms developed to predict the effect of sequence changes on RNA splicing suggest that this variant may create or strengthen a splice site. Algorithms developed to predict the effect of missense changes on protein structure and function are either unavailable or do not agree on the potential impact of this missense change (SIFT: "Deleterious"; PolyPhen-2: "Possibly Damaging"; Align-GVGD: "Class C0"). This variant has not been reported in the literature in individuals affected with RIMS1-related conditions. This variant is present in population databases (rs374089563, gnomAD 0.007%). This sequence change replaces arginine, which is basic and polar, with glycine, which is neutral and non-polar, at codon 1224 of the RIMS1 protein (p.Arg1224Gly).

NM_014989.7(RIMS1):c.3670A>G (p.Arg1224Gly)

Gene: RIMS1 (regulating synaptic membrane exocytosis 1; plus strand). Cytogenetic location: 6q13.
Variant type: single nucleotide variant.
Coding change: c.3670A>G on transcript NM_014989.7 (MANE Select); coding-DNA position 3670, A replaced by G.
Protein change: p.Arg1224Gly; replaces arginine 1224 with glycine.
Molecular consequence: missense variant. On other transcripts: intron variant (56).
Genome position (GRCh38, 1-based): chr6:72,290,794, A>G. VCF-style: chr6-72290794-A-G. GRCh37 (hg19) VCF-style: chr6-73000497-A-G.
Other names: c.1744A>G, p.Arg582Gly (NM_001350420.2); c.1726A>G, p.Arg576Gly (NM_001350431.2); c.1813A>G, p.Arg605Gly (NM_001350438.2, NM_001350456.2); c.1816A>G, p.Arg606Gly (NM_001350442.2, NM_001350446.2); c.1675A>G, p.Arg559Gly (NM_001350462.2); c.1632-1140A>G (NM_001350428.2); c.1560-1140A>G (NM_001350459.2, NM_001350424.2); c.1641-1140A>G (NM_001350437.2); and 31 more; short protein forms R576G, R606G, R559G, R605G, R1224G, R582G.
Identifiers: ClinVar variation 1902501 (VCV001902501.5), dbSNP rs374089563, ClinGen allele CA140897264.